The following is an entry in ClinVar:

NM_000540.3(RYR1):c.11778+1G>T

Gene: RYR1 (ryanodine receptor 1; plus strand). Cytogenetic location: 19q13.2.
Variant type: single nucleotide variant.
Coding change: c.11778+1G>T on transcript NM_000540.3 (MANE Select); the canonical splice donor site of the intron after coding-DNA position 11778, G replaced by T.
Molecular consequence: splice donor variant.
Genome position (GRCh38, 1-based): chr19:38,543,436, G>T. VCF-style: chr19-38543436-G-T. GRCh37 (hg19) VCF-style: chr19-39034076-G-T.
Other names: c.11763+1G>T (NM_001042723.2).
Identifiers: ClinVar variation 478164 (VCV000478164.12), dbSNP rs1555794209, ClinGen allele CA405661484.

ClinVar aggregate classification (germline): Conflicting classifications of pathogenicity. Review status: criteria provided, conflicting classifications (1 of 4 stars). 4 submissions from 4 submitters: Pathogenic (3); Uncertain significance (1). Last evaluated 2026-01-26.

Conditions:
Malignant hyperthermia, susceptibility to, 1 (MHS1). Also called: Anesthesia related hyperthermia; Malignant hyperpyrexia; Fulminating hyperpyrexia; Pharmacogenic myopathy; RYR1-Related Malignant Hyperthermia Susceptibility; Malignant hyperthermia suceptibility 1. Identifiers: Orphanet 423, MedGen C2930980, MONDO:0007783, OMIM 145600.
RYR1-related disorder. Also called: RYR1-related condition; RYR1-related disorders. Identifiers: MedGen CN239331.

Allele frequency attached by ClinVar (database versions not stated): gnomAD exomes below 0.00001.
gnomAD v4.1: 1 of 1,614,248 alleles (0.000062%); highest among the groups gnomAD compares: Admixed American, 0.0017%; no homozygotes.

Submissions (4):

GeneDx
Classification: Pathogenic. Last evaluated: 2026-01-26. Review status: criteria provided, single submitter. Criteria: GeneDx Variant Classification Process June 2021. Collection method: clinical testing. Allele origin: germline.
Comment: Canonical splice site variant predicted to result in a null allele in a gene for which loss of function is a known mechanism of disease; Not observed at significant frequency in large population cohorts (gnomAD); This variant is associated with the following publications: (PMID: 33686258)

Color Diagnostics, LLC DBA Color Health
Classification: Uncertain significance for Malignant hyperthermia, susceptibility to, 1. Last evaluated: 2025-07-18. Review status: criteria provided, single submitter. Criteria: ACMG Guidelines, 2015. Collection method: clinical testing. Allele origin: germline.
Comment: This variant causes a G to T substitution at the +1 position of intron 85 in the RYR1 protein. To our knowledge, RNA studies have not been reported for this variant. This variant has not been identified in the general population by the Genome Aggregation Database (gnomAD). Loss of RYR1 function is not an established disease mechanism for autosomal dominant malignant hyperthermia, although it is associated with other phenotype(s) (ClinVar variation ID: 478164). Therefore, this variant is classified as a Variant of Uncertain Significance for autosomal dominant malignant hyperthermia.

Labcorp Genetics (formerly Invitae), Labcorp
Classification: Pathogenic for RYR1-related disorder. Last evaluated: 2023-04-28. Review status: criteria provided, single submitter. Criteria: Invitae Variant Classification Sherloc (09022015). Collection method: clinical testing. Allele origin: germline.
Comment: For these reasons, this variant has been classified as Pathogenic. Algorithms developed to predict the effect of sequence changes on RNA splicing suggest that this variant may disrupt the consensus splice site. ClinVar contains an entry for this variant (Variation ID: 478164). Disruption of this splice site has been observed in individual(s) with clinical features of autosomal recessive congenital myopathy (Invitae). In at least one individual the data is consistent with being in trans (on the opposite chromosome) from a pathogenic variant. This variant is not present in population databases (gnomAD no frequency). This sequence change affects a donor splice site in intron 85 of the RYR1 gene. It is expected to disrupt RNA splicing. Variants that disrupt the donor or acceptor splice site typically lead to a loss of protein function (PMID: 16199547), and loss-of-function variants in RYR1 are known to be pathogenic (PMID: 23919265, 25960145, 28818389, 30611313).

Revvity Omics, Revvity
Classification: Pathogenic. Last evaluated: 2020-05-23. Review status: criteria provided, single submitter. Criteria: ACMG Guidelines, 2015. Collection method: clinical testing. Allele origin: germline.

Literature cited by the submitters: PubMed 16199547 (cited by Labcorp Genetics (formerly Invitae), Labcorp); PubMed 23919265 (cited by Labcorp Genetics (formerly Invitae), Labcorp); PubMed 25960145 (cited by Labcorp Genetics (formerly Invitae), Labcorp); PubMed 28818389 (cited by Labcorp Genetics (formerly Invitae), Labcorp); PubMed 30611313 (cited by Labcorp Genetics (formerly Invitae), Labcorp).